The following is an entry in ClinVar:

NM_001046.3(SLC12A2):c.430G>A (p.Val144Met)

Gene: SLC12A2 (solute carrier family 12 member 2; plus strand). Cytogenetic location: 5q23.3.
Variant type: single nucleotide variant.
Coding change: c.430G>A on transcript NM_001046.3 (MANE Select); coding-DNA position 430, G replaced by A.
Protein change: p.Val144Met; replaces valine 144 with methionine.
Molecular consequence: missense variant. On other transcripts: non-coding transcript variant (1).
Genome position (GRCh38, 1-based): chr5:128,084,384, G>A. VCF-style: chr5-128084384-G-A. GRCh37 (hg19) VCF-style: chr5-127420076-G-A.
Other names: c.430G>A, p.Val144Met (NM_001256461.2); short protein forms V144M.
Identifiers: ClinVar variation 2106784 (VCV002106784.4), dbSNP rs767945017, ClinGen allele CA360736482.

ClinVar aggregate classification (germline): Uncertain significance (1 of 4 stars; one submission).

Submission:

Labcorp Genetics (formerly Invitae), Labcorp
Classification: Uncertain significance. Last evaluated: 2023-10-13. Review status: criteria provided, single submitter. Criteria: Invitae Variant Classification Sherloc (09022015). Collection method: clinical testing. Allele origin: germline.
Comment: This sequence change replaces valine, which is neutral and non-polar, with methionine, which is neutral and non-polar, at codon 144 of the SLC12A2 protein (p.Val144Met). This variant is not present in population databases (gnomAD no frequency). This variant has not been reported in the literature in individuals affected with SLC12A2-related conditions. ClinVar contains an entry for this variant (Variation ID: 2106784). Advanced modeling of protein sequence and biophysical properties (such as structural, functional, and spatial information, amino acid conservation, physicochemical variation, residue mobility, and thermodynamic stability) performed at Invitae indicates that this missense variant is not expected to disrupt SLC12A2 protein function. In summary, the available evidence is currently insufficient to determine the role of this variant in disease. Therefore, it has been classified as a Variant of Uncertain Significance.